The following is an entry in ClinVar:

ClinVar aggregate classification (germline): Likely pathogenic. Review status: criteria provided, multiple submitters, no conflicts (2 of 4 stars). 3 submissions from 3 submitters: Likely pathogenic (3). Last evaluated 2025-06-29.

Conditions:
Joubert syndrome 21 (JBTS21). Identifiers: MedGen C3810212, MONDO:0014288, OMIM 615636.

Allele frequency attached by ClinVar (database versions not stated): gnomAD exomes below 0.00001; TOPMed below 0.00001.
gnomAD v4.1: 3 of 1,591,610 alleles (0.00019%); highest among the groups gnomAD compares: Non-Finnish European, 0.00017%; no homozygotes.

Submissions (3):

Labcorp Genetics (formerly Invitae), Labcorp
Classification: Likely pathogenic for Joubert syndrome 21. Last evaluated: 2025-06-29. Review status: criteria provided, single submitter. Criteria: Invitae Variant Classification Sherloc (09022015). Collection method: clinical testing. Allele origin: germline.
Comment: This sequence change affects a donor splice site in intron 27 of the CSPP1 gene. It is expected to disrupt RNA splicing. Variants that disrupt the donor or acceptor splice site typically lead to a loss of protein function (PMID: 16199547), and loss-of-function variants in CSPP1 are known to be pathogenic (PMID: 24360807, 24360808). This variant is present in population databases (no rsID available, gnomAD 0.003%). This variant has not been reported in the literature in individuals affected with CSPP1-related conditions. ClinVar contains an entry for this variant (Variation ID: 1482480). Algorithms developed to predict the effect of sequence changes on RNA splicing suggest that this variant may disrupt the consensus splice site. In summary, the currently available evidence indicates that the variant is pathogenic, but additional data are needed to prove that conclusively. Therefore, this variant has been classified as Likely Pathogenic.

GeneDx
Classification: Likely pathogenic. Last evaluated: 2022-12-16. Review status: criteria provided, single submitter. Criteria: GeneDx Variant Classification Process June 2021. Collection method: clinical testing. Allele origin: germline. Affected: yes.
Comment: Canonical splice site variant predicted to result in a null allele in a gene for which loss of function is a known mechanism of disease; Not observed at significant frequency in large population cohorts (gnomAD); Has not been previously published as pathogenic or benign to our knowledge

Juno Genomics, Hangzhou Juno Genomics, Inc
Classification: Likely pathogenic for Joubert syndrome 21. Review status: criteria provided, single submitter. Criteria: ACMG Guidelines, 2015. Collection method: clinical testing. Allele origin: germline.
Comment: Null variant in a gene where loss of function (LOF) is a known mechanism of disease.;Absent from controls (or at extremely low frequency if recessive) in Genome Aggregation Database.

Literature cited by the submitters: PubMed 16199547 (cited by Labcorp Genetics (formerly Invitae), Labcorp); PubMed 24360807 (cited by Labcorp Genetics (formerly Invitae), Labcorp); PubMed 24360808 (cited by Labcorp Genetics (formerly Invitae), Labcorp).

NM_001382391.1(CSPP1):c.3330+1G>C

Genes: ARFGEF1 (ARF guanine nucleotide exchange factor 1; minus strand), CSPP1 (centrosome and spindle pole associated protein 1; plus strand). Cytogenetic location: 8q13.2.
Variant type: single nucleotide variant.
Coding change: c.3330+1G>C on transcript NM_001382391.1 (MANE Select); the canonical splice donor site of the intron after coding-DNA position 3330, G replaced by C.
Molecular consequence: splice donor variant. On other transcripts: intron variant (2).
Genome position (GRCh38, 1-based): chr8:67,190,760, G>C. VCF-style: chr8-67190760-G-C. GRCh37 (hg19) VCF-style: chr8-68102995-G-C.
Other names: c.3135+1G>C (NM_001363132.2); c.3249+1G>C (NM_001363131.2); c.3054+1G>C (NM_001363133.2); c.3396+1G>C (NM_001364869.1); c.3315+1G>C (NM_024790.7, NM_001438331.1); c.3162+1G>C (NM_001438330.1); c.3216+1G>C (NM_001364870.1); c.2631+1G>C (NM_001438332.1); and 3 more.
Identifiers: ClinVar variation 1482480 (VCV001482480.8), dbSNP rs1045070965, ClinGen allele CA371202465.